The following is an entry in ClinVar:

ClinVar aggregate classification (germline): Uncertain significance (1 of 4 stars; one submission).

Conditions:
Baraitser-winter syndrome 2. Identifiers: Orphanet 2995, MedGen C3281235, MONDO:0013812, OMIM 614583.
Autosomal dominant nonsyndromic hearing loss 20. Identifiers: Orphanet 90635, MedGen C1858172, MONDO:0011480, OMIM 604717.

Submission:

Labcorp Genetics (formerly Invitae), Labcorp
Classification: Uncertain significance for Baraitser-winter syndrome 2; Autosomal dominant nonsyndromic hearing loss 20. Last evaluated: 2024-10-17. Review status: criteria provided, single submitter. Criteria: Invitae Variant Classification Sherloc (09022015). Collection method: clinical testing. Allele origin: germline.
Comment: This sequence change replaces glutamic acid, which is acidic and polar, with glycine, which is neutral and non-polar, at codon 2 of the ACTG1 protein (p.Glu2Gly). This variant is not present in population databases (gnomAD no frequency). This variant has not been reported in the literature in individuals affected with ACTG1-related conditions. An algorithm developed to predict the effect of missense changes on protein structure and function (PolyPhen-2) suggests that this variant is likely to be tolerated. In summary, the available evidence is currently insufficient to determine the role of this variant in disease. Therefore, it has been classified as a Variant of Uncertain Significance.

NM_001614.5(ACTG1):c.5A>G (p.Glu2Gly)

Gene: ACTG1 (actin gamma 1; minus strand). Cytogenetic location: 17q25.3.
Variant type: single nucleotide variant.
Coding change: c.5A>G on transcript NM_001614.5 (MANE Select); coding-DNA position 5, A replaced by G.
Protein change: p.Glu2Gly; replaces glutamic acid 2 with glycine.
Molecular consequence: missense variant. On other transcripts: non-coding transcript variant (1).
Genome position (GRCh38, 1-based): chr17:81,512,350, T>C on the plus strand (A>G on the coding strand, the complement: ACTG1 is on the minus strand). VCF-style: chr17-81512350-T-C. GRCh37 (hg19) VCF-style: chr17-79479376-T-C.
Other names: c.5A>G, p.Glu2Gly (NM_001199954.3); short protein forms E2G.
Identifiers: ClinVar variation 3757858 (VCV003757858.2).